The following is an entry in ClinVar:

NM_001394372.1(BICRA):c.769G>C (p.Val257Leu)

Gene: BICRA (BRD4 interacting chromatin remodeling complex associated protein; plus strand). Cytogenetic location: 19q13.33.
Variant type: single nucleotide variant.
Coding change: c.769G>C on transcript NM_001394372.1 (MANE Select); coding-DNA position 769, G replaced by C.
Protein change: p.Val257Leu; replaces valine 257 with leucine.
Molecular consequence: missense variant.
Genome position (GRCh38, 1-based): chr19:47,679,939, G>C. VCF-style: chr19-47679939-G-C. GRCh37 (hg19) VCF-style: chr19-48183196-G-C.
Other names: c.769G>C, p.Val257Leu (NM_015711.3); short protein forms V257L.
Identifiers: ClinVar variation 2577644 (VCV002577644.2), dbSNP rs2514108749, ClinGen allele CA406610453.

ClinVar aggregate classification (germline): Uncertain significance (1 of 4 stars; one submission).

Submission:

GeneDx
Classification: Uncertain significance. Last evaluated: 2026-06-12. Review status: criteria provided, single submitter. Criteria: GeneDx Variant Classification Process June 2021. Collection method: clinical testing. Allele origin: germline.
Comment: Not observed at significant frequency in large population cohorts (gnomAD); In silico analysis suggests that this missense variant does not alter protein structure/function; Has not been previously published as pathogenic or benign to our knowledge